The following is an entry in ClinVar:

NM_001903.5(CTNNA1):c.2118C>A (p.Asp706Glu)

Gene: CTNNA1 (catenin alpha 1; plus strand). Cytogenetic location: 5q31.2.
Variant type: single nucleotide variant.
Coding change: c.2118C>A on transcript NM_001903.5 (MANE Select); coding-DNA position 2118, C replaced by A.
Protein change: p.Asp706Glu; replaces aspartic acid 706 with glutamic acid.
Molecular consequence: missense variant.
Genome position (GRCh38, 1-based): chr5:138,930,580, C>A. VCF-style: chr5-138930580-C-A. GRCh37 (hg19) VCF-style: chr5-138266269-C-A.
Other names: c.1008C>A, p.Asp336Glu (NM_001323992.1, NM_001323993.1, NM_001323994.1 and 17 more transcripts); c.2118C>A, p.Asp706Glu (NM_001290307.3, NM_001323982.2, NM_001323983.1 and 2 more transcripts); c.1809C>A, p.Asp603Glu (NM_001290309.3); c.1749C>A, p.Asp583Glu (NM_001290310.3); c.2025C>A, p.Asp675Glu (NM_001323986.2); c.669C>A, p.Asp223Glu (NM_001324006.1, NM_001324007.1, NM_001324008.1 and 2 more transcripts); c.915C>A, p.Asp305Glu (NM_001324011.1); c.765C>A, p.Asp255Glu (NM_001324012.1, NM_001324013.1); short protein forms D675E, D706E, D223E, D255E, D603E, D305E, D336E, D583E.
Identifiers: ClinVar variation 1371416 (VCV001371416.6), dbSNP rs567388162, ClinGen allele CA361133546.
Genomic context (GRCh38, chr5:138,930,580, plus strand): 5'-ACAGGTGGCCAGCTTCCAGGAAGAAAAGAGCAAGCTGGATGCTGAAGTGTCCAAATGGGA[C>A]GACAGTGGCAATGACATCATTGTGCTGGCCAAGCAGATGTGCATGATTATGATGGAGATG-3'
Protein context (NP_001894.2, residues 696-716): SKLDAEVSKW[Asp706Glu]DSGNDIIVLA

ClinVar aggregate classification (germline): Uncertain significance (1 of 4 stars; one submission).

Submission:

Labcorp Genetics (formerly Invitae), Labcorp
Classification: Uncertain significance. Last evaluated: 2021-07-31. Review status: criteria provided, single submitter. Criteria: Invitae Variant Classification Sherloc (09022015). Collection method: clinical testing. Allele origin: germline.
Comment: This sequence change replaces aspartic acid with glutamic acid at codon 706 of the CTNNA1 protein (p.Asp706Glu). The aspartic acid residue is highly conserved and there is a small physicochemical difference between aspartic acid and glutamic acid. This variant is not present in population databases (ExAC no frequency). This variant has not been reported in the literature in individuals affected with CTNNA1-related conditions. Algorithms developed to predict the effect of missense changes on protein structure and function are either unavailable or do not agree on the potential impact of this missense change (SIFT: "Deleterious"; PolyPhen-2: "Probably Damaging"; Align-GVGD: "Class C0"). In summary, the available evidence is currently insufficient to determine the role of this variant in disease. Therefore, it has been classified as a Variant of Uncertain Significance.